The following is an entry in ClinVar:

NM_001105206.3(LAMA4):c.824A>C (p.Lys275Thr)

Gene: LAMA4 (laminin subunit alpha 4; minus strand). Cytogenetic location: 6q21.
Variant type: single nucleotide variant.
Coding change: c.824A>C on transcript NM_001105206.3 (MANE Select); coding-DNA position 824, A replaced by C.
Protein change: p.Lys275Thr; replaces lysine 275 with threonine.
Molecular consequence: missense variant.
Genome position (GRCh38, 1-based): chr6:112,187,592, T>G on the plus strand (A>C on the coding strand, the complement: LAMA4 is on the minus strand). VCF-style: chr6-112187592-T-G. GRCh37 (hg19) VCF-style: chr6-112508794-T-G.
Other names: c.803A>C, p.Lys268Thr (NM_001105207.3, NM_002290.5); short protein forms K268T, K275T.
Identifiers: ClinVar variation 2625037 (VCV002625037.2), dbSNP rs183711657, ClinGen allele CA365376334.
Genomic context (GRCh38, chr6:112,187,592, plus strand): 5'-TTGCCTTCCTCGATGGAGAGCGCTGCTAACCGCAGGTCATCAGTCAGGTCCCAGACGCAC[T>G]TATCACAGCCTGGAGGTGAAACATTTCTTCAGAATCACAAGTCAAAAGCATGCTAAAGGC-3'
Protein context (NP_001098676.2, residues 265-285): GMDCPTISCD[Lys275Thr]CVWDLTDDLR

ClinVar aggregate classification (germline): Uncertain significance (1 of 4 stars; one submission).

Conditions:
Cardiovascular phenotype. Identifiers: MedGen CN230736.

gnomAD v4.1: 1 of 1,613,934 alleles (0.000062%); highest among the groups gnomAD compares: Non-Finnish European, 0.000085%; no homozygotes.

Submission:

Ambry Genetics
Classification: Uncertain significance for Cardiovascular phenotype. Last evaluated: 2023-07-15. Review status: criteria provided, single submitter. Criteria: Ambry Variant Classification Scheme 2023. Collection method: clinical testing. Allele origin: germline.
Comment: The p.K268T variant (also known as c.803A>C), located in coding exon 7 of the LAMA4 gene, results from an A to C substitution at nucleotide position 803. The lysine at codon 268 is replaced by threonine, an amino acid with similar properties. This amino acid position is conserved. In addition, the in silico prediction for this alteration is inconclusive. Since supporting evidence is limited at this time, the clinical significance of this alteration remains unclear.